The following is an entry in ClinVar:

ClinVar aggregate classification (germline): Likely benign (1 of 4 stars; one submission).

Submission:

CeGaT Center for Human Genetics Tuebingen
Classification: Likely benign. Last evaluated: 2023-03-01. Review status: criteria provided, single submitter. Criteria: CeGaT Center For Human Genetics Tuebingen Variant Classification Criteria Version 2. Collection method: clinical testing. Allele origin: germline. Affected: yes. Observed: 1 variant allele.
Comment: NCOA3: BP4, BP7

NM_181659.3(NCOA3):c.3759G>A (p.Gln1253=)

Genes: NCOA3 (nuclear receptor coactivator 3; plus strand), LOC109621227 (nuclear receptor coactivator 3 repeat instability region; plus strand). Cytogenetic location: 20q13.12.
Variant type: single nucleotide variant.
Coding change: c.3759G>A on transcript NM_181659.3 (MANE Select); coding-DNA position 3759, G replaced by A.
Protein change: p.Gln1253=; no amino-acid change (glutamine 1253 retained).
Molecular consequence: synonymous variant.
Genome position (GRCh38, 1-based): chr20:47,651,089, G>A. VCF-style: chr20-47651089-G-A. GRCh37 (hg19) VCF-style: chr20-46279833-G-A.
Other names: c.3756G>A, p.Gln1252= (NM_001174087.2); c.3732G>A, p.Gln1244= (NM_001174088.2); c.3747G>A, p.Gln1249= (NM_006534.4).
Identifiers: ClinVar variation 2652376 (VCV002652376.24), dbSNP rs1555818208, ClinGen allele CA511013638.